The following is an entry in ClinVar:

ClinVar aggregate classification (germline): Pathogenic. Review status: criteria provided, multiple submitters, no conflicts (2 of 4 stars). 2 submissions from 2 submitters: Pathogenic (2). Last evaluated 2026-06-01.

Conditions:
Polycystic kidney disease, adult type (PKD1). Also called: Polycystic Kidney, Autosomal Dominant; Polycystic Kidney Disease 1, Autosomal Dominant; Polycystic kidney disease 1; Polycystic kidney disease 1, severe; POLYCYSTIC KIDNEY DISEASE 1 WITH OR WITHOUT POLYCYSTIC LIVER DISEASE; POLYCYSTIC KIDNEY DISEASE, ADULT, TYPE I. Identifiers: MedGen C3149841, MONDO:0008263, OMIM 173900.

Submissions (2):

Victorian Clinical Genetics Services, Murdoch Childrens Research Institute
Classification: Pathogenic for Polycystic kidney disease, adult type. Last evaluated: 2026-06-01. Review status: criteria provided, single submitter. Criteria: ACMG Guidelines, 2015. Collection method: clinical testing. Allele origin: germline. Affected: yes.
Comment: This variant is classified as Pathogenic. Evidence in support of pathogenic classification: Variant is predicted to cause nonsense-mediated decay (NMD) and loss of protein (premature termination codon is located at least 54 nucleotides upstream of the final exon-exon junction); Variant is absent from gnomAD (v2, v3 and v4); This variant has limited previous evidence of pathogenicity in unrelated individual(s). This variant has been classified as pathogenic by a clinical laboratory in ClinVar. Additionally, a different nucleotide change within this codon, also resulting in an NMD-predicted variant, has been classified as pathogenic by a clinical laboratory in ClinVar; Other NMD-predicted variant(s) comparable to the one identified in this case have very strong previous evidence for pathogenicity (DECIPHER). Additional information: This variant is heterozygous; This gene is associated with autosomal dominant disease. Polycystic kidney disease 1 (MIM#173900) is predominantly caused by monoallelic variants, with rare reports of biallelic variants causing disease (OMIM); Loss of function is a known mechanism of disease in this gene and is associated with polycystic kidney disease 1 (MIM#173900); Inheritance information for this variant is not currently available in this individual.

Mendelics
Classification: Pathogenic for Polycystic kidney disease, adult type. Last evaluated: 2019-05-28. Review status: criteria provided, single submitter. Criteria: Mendelics Assertion Criteria 2017. Collection method: clinical testing. Allele origin: unknown.

NM_001009944.3(PKD1):c.2048G>A (p.Trp683Ter)

Gene: PKD1 (polycystin 1, transient receptor potential channel interacting; minus strand). Cytogenetic location: 16p13.3.
Variant type: single nucleotide variant.
Coding change: c.2048G>A on transcript NM_001009944.3 (MANE Select); coding-DNA position 2048, G replaced by A.
Protein change: p.Trp683Ter; replaces tryptophan 683 with a stop codon.
Molecular consequence: nonsense.
Genome position (GRCh38, 1-based): chr16:2,115,427, C>T on the plus strand (G>A on the coding strand, the complement: PKD1 is on the minus strand). VCF-style: chr16-2115427-C-T. GRCh37 (hg19) VCF-style: chr16-2165428-C-T.
Other names: c.2048G>A, p.Trp683Ter (NM_000296.4); short protein forms W683*.
Identifiers: ClinVar variation 803172 (VCV000803172.2), dbSNP rs1174034883, ClinGen allele CA394389583.